The following is an entry in ClinVar:

ClinVar aggregate classification (germline): Likely pathogenic. Review status: reviewed by expert panel (3 of 4 stars). 11 submissions from 11 submitters: Likely pathogenic (1). 10 of the submissions do not count toward it. Last evaluated 2026-07-14.

Conditions:
Very long chain acyl-CoA dehydrogenase deficiency (ACADVLD). Also called: VLCAD Deficiency; Very Long-Chain Acyl-Coenzyme A Dehydrogenase Deficiency. Identifiers: Orphanet 26793, MedGen C3887523, MONDO:0008723, OMIM 201475.

Allele frequency attached by ClinVar (database versions not stated): gnomAD exomes 0.00001 and 0.00002; TOPMed 0.00001; gnomAD 0.00001; ExAC 0.00002.

Submissions (11):

ClinGen ACADVL Variant Curation Expert Panel, ClinGen
Classification: Likely pathogenic for Very long chain acyl-CoA dehydrogenase deficiency. Last evaluated: 2026-07-14. Review status: reviewed by expert panel. Criteria: ClinGen ACADVL ACMG Specifications ACADVL V2.1. Collection method: curation. Allele origin: germline. Inheritance: Autosomal recessive inheritance.
Comment: The c.1001T>G (NM_000018.4) variant in ACADVL is a missense variant predicted to cause substitution of methionine by arginine at amino acid 334 (p.Met334Arg). The highest population minor allele frequency in gnomAD v4.1.1 is 0.000005932 for the European (Non-Finnish) population, which is lower than the ClinGen ACADVL Variant Curation Expert Panel threshold (<0.001) for PM2_Supporting, meeting this criterion (PM2_Supporting). The computational predictor REVEL gives a score of 0.945, which is above the threshold of 0.75, evidence that correlates with impact to ACADVL function (PP3). At least two patients with this variant displayed abnormal newborn screen and/or follow-up acylcarnitine profile consistent with very long chain acyl-CoA dehydrogenase (VLCAD) deficiency, which is highly specific for VLCAD (PP4_Moderate, PMID: 27209629, information provided to the ACADVL VCEP provided by an external clinical laboratory). Additional information provided to the ACADVL VCEP provided by an external clinical laboratory shows that one individual was compound heterozygous for the variant and a pathogenic variant (c.848T>C (p.Val283Ala)) confirmed in trans (PM3) and that these two variants segregate with very long chain acyl CoA dehydrogenase (VLCAD) deficiency in 2 further affected family members from one family (PP1_Moderate). Additionally, at least six individuals with this variant was identified by newborn screen, but this information is insufficient to use toward classification (PMID: 26385305). In summary, this variant meets the criteria to be classified as likely pathogenic for autosomal recessive very long chain acyl-CoA dehydrogenase (VLCAD) deficiency based on the ACMG/AMP criteria applied, as specified by the ClinGen ACADVL Variant Curation Expert Panel: PM3, PP1_Moderate, PP4_Moderate, PM2_Supporting, PP3, (ACADVL VCEP specifications version 2.1.0; approved September 4, 2025).

GeneDx
Classification: Uncertain significance. Last evaluated: 2026-09-30. Review status: criteria provided, single submitter. Criteria: GeneDx Variant Classification Process June 2021. Collection method: clinical testing. Allele origin: germline. Not counted in ClinVar's aggregate classification.
Comment: Reported in multiple individuals with an abnormal newborn screening result for VLCAD deficiency in whom a second ACADVL variant was not identified (PMID: 26385305); Observed with a second variant in ACADVL in an asymptomatic individual diagnosed with VLCAD deficiency via molecular testing and acylcarnitine profile analysis following an abnormal newborn screening result (PMID: 27209629); In silico analysis supports that this missense variant has a deleterious effect on protein structure/function; Not observed at significant frequency in large population cohorts (gnomAD); This variant is associated with the following publications: (PMID: 40149952, 26385305, 27209629)

Labcorp Genetics (formerly Invitae), Labcorp
Classification: Pathogenic for Very long chain acyl-CoA dehydrogenase deficiency. Last evaluated: 2025-10-27. Review status: criteria provided, single submitter. Criteria: Invitae Variant Classification Sherloc (09022015). Collection method: clinical testing. Allele origin: germline. Not counted in ClinVar's aggregate classification.
Comment: This sequence change replaces methionine, which is neutral and non-polar, with arginine, which is basic and polar, at codon 334 of the ACADVL protein (p.Met334Arg). This variant is present in population databases (rs398123079, gnomAD 0.004%). This missense change has been observed in individual(s) with VLCAD deficiency (PMID: 27209629; internal data). In at least one individual the data is consistent with being in trans (on the opposite chromosome) from a pathogenic variant. It has also been observed to segregate with disease in related individuals. ClinVar contains an entry for this variant (Variation ID: 92270). Invitae Evidence Modeling of protein sequence and biophysical properties (such as structural, functional, and spatial information, amino acid conservation, physicochemical variation, residue mobility, and thermodynamic stability) indicates that this missense variant is expected to disrupt ACADVL protein function with a positive predictive value of 80%. For these reasons, this variant has been classified as Pathogenic.

Women's Health and Genetics/Laboratory Corporation of America, LabCorp
Classification: Likely pathogenic for Very long chain acyl-CoA dehydrogenase deficiency. Last evaluated: 2025-08-21. Review status: criteria provided, single submitter. Criteria: LabCorp Variant Classification Summary - May 2015. Collection method: clinical testing. Allele origin: germline. Not counted in ClinVar's aggregate classification.
Comment: Variant summary: ACADVL c.1001T>G (p.Met334Arg) results in a non-conservative amino acid change located in the Acyl-CoA dehydrogenase/oxidase C-terminal domain of the encoded protein sequence. Algorithms developed to predict the effect of missense changes on protein structure and function all suggest that this variant is likely to be disruptive. The variant allele was found at a frequency of 1.6e-05 in 251308 control chromosomes (gnomAD). c.1001T>G has been reported in the literature in individuals affected with Very Long Chain Acyl-CoA Dehydrogenase Deficiency following newborn screening results (Miller_2015, Pena_2016, internal data). These data indicate that the variant may be associated with disease. To our knowledge, no experimental evidence demonstrating an impact on protein function has been reported. The following publications have been ascertained in the context of this evaluation (PMID: 26385305, 27209629). ClinVar contains an entry for this variant (Variation ID: 92270). Based on the evidence outlined above, the variant was classified as likely pathogenic.

Revvity Omics, Revvity
Classification: Uncertain significance for Very long chain acyl-CoA dehydrogenase deficiency. Last evaluated: 2024-02-26. Review status: criteria provided, single submitter. Criteria: ACMG Guidelines, 2015. Collection method: clinical testing. Allele origin: germline. Not counted in ClinVar's aggregate classification.

Baylor Genetics
Classification: Likely pathogenic for Very long chain acyl-CoA dehydrogenase deficiency. Last evaluated: 2023-12-22. Review status: criteria provided, single submitter. Criteria: ACMG Guidelines, 2015. Collection method: clinical testing. Allele origin: unknown. Not counted in ClinVar's aggregate classification.

ARUP Laboratories, Molecular Genetics and Genomics, ARUP Laboratories
Classification: Uncertain significance for Very long chain acyl-CoA dehydrogenase deficiency. Last evaluated: 2022-04-15. Review status: criteria provided, single submitter. Criteria: ARUP Molecular Germline Variant Investigation Process 2021. Collection method: clinical testing. Allele origin: germline. Not counted in ClinVar's aggregate classification.
Comment: The ACADVL c.1001T>G; p.Met334Arg variant (rs148584617) is reported in the literature in multiple individuals affected with very long chain acyl-coA dehydrogenase deficiency (Miller 2015, Pena 2016). This variant is reported as uncertain significance by multiple laboratories in ClinVar (Variation ID: 92270), and is only observed on five alleles in the Genome Aggregation Database, indicating it is not a common polymorphism. The methionine at codon 334 is moderately conserved, and computational analyses predict that this variant is deleterious (REVEL: 0.945). However, given the lack of clinical and functional data, the significance of the p.Met334Arg variant is uncertain at this time. References: Miller MJ et al. Recurrent ACADVL molecular findings in individuals with a positive newborn screen for very long chain acyl-coA dehydrogenase (VLCAD) deficiency in the United States. Mol Genet Metab. 2015 Nov;116(3):139-45. PMID: 26385305. Pena LD et al. Outcomes and genotype-phenotype correlations in 52 individuals with VLCAD deficiency diagnosed by NBS and enrolled in the IBEM-IS database. Mol Genet Metab. 2016 Aug;118(4):272-81. PMID: 27209629.

Myriad Genetics, Inc.
Classification: Uncertain significance for Very long chain acyl-CoA dehydrogenase deficiency. Last evaluated: 2021-10-27. Review status: criteria provided, single submitter. Criteria: Myriad Women's Health Autosomal Recessive and X-Linked Classification Criteria (2021). Collection method: clinical testing. Allele origin: unknown. Not counted in ClinVar's aggregate classification.
Comment: NM_000018.3(ACADVL):c.1001T>G(M334R) is a missense variant classified as a variant of uncertain significance in the context of very-long-chain acyl-CoA dehydrogenase deficiency. M334R has been observed in cases with relevant disease (PMID: 27209629). Functional assessments of this variant are not available in the literature. M334R has been observed in population frequency databases (gnomAD: NFE 0.002%). In summary, there is insufficient evidence to classify NM_000018.3(ACADVL):c.1001T>G(M334R) as pathogenic or benign. Please note: this variant was assessed in the context of healthy population screening.

Wong Mito Lab, Molecular and Human Genetics, Baylor College of Medicine
Classification: Likely pathogenic for Very long chain acyl-CoA dehydrogenase deficiency. Last evaluated: 2019-11-01. Review status: criteria provided, single submitter. Criteria: ACMG Guidelines, 2015. Collection method: clinical testing. Allele origin: germline. Not counted in ClinVar's aggregate classification.
Comment: The NM_000018.3:c.1001T>G (NP_000009.1:p.Met334Arg) [GRCH38: NC_000017.11:g.7222789T>G] variant in ACADVL gene is interpretated to be Likely Pathogenic based on ACMG guidelines (PMID: 25741868). This variant has been reported. This variant meets the following evidence codes reported in the ACMG guidelines: PS3, PM1, PP3

Eurofins Ntd Llc (ga)
Classification: Uncertain significance. Last evaluated: 2015-07-02. Review status: criteria provided, single submitter. Criteria: EGL Classification Definitions 2015. Collection method: clinical testing. Allele origin: germline. Observed: 2 variant alleles, 2 heterozygotes. Not counted in ClinVar's aggregate classification.

Center for Pediatric Genomic Medicine, Children's Mercy Hospital and Clinics
Classification: Uncertain significance. Last evaluated: 2015-02-19. Review status: criteria provided, single submitter. Criteria: ACMG Guidelines, 2015. Collection method: clinical testing. Allele origin: germline. Not counted in ClinVar's aggregate classification.
ClinVar note: Converted during submission from Uncertain Significance to Uncertain significance.

Literature cited by the submitters: PubMed 27209629 (cited by 3 submitters); PubMed 26385305 (cited by Women's Health and Genetics/Laboratory Corporation of America, LabCorp and Wong Mito Lab, Molecular and Human Genetics, Baylor College of Medicine).

NM_000018.4(ACADVL):c.1001T>G (p.Met334Arg)

Gene: ACADVL (acyl-CoA dehydrogenase very long chain; plus strand). Cytogenetic location: 17p13.1.
Variant type: single nucleotide variant.
Coding change: c.1001T>G on transcript NM_000018.4 (MANE Select); coding-DNA position 1001, T replaced by G.
Protein change: p.Met334Arg; replaces methionine 334 with arginine.
Molecular consequence: missense variant.
Genome position (GRCh38, 1-based): chr17:7,222,789, T>G. VCF-style: chr17-7222789-T-G. GRCh37 (hg19) VCF-style: chr17-7126108-T-G.
Other names: p.M334R:ATG>AGG; NM_000018.4(ACADVL):c.1001T>G; c.935T>G, p.Met312Arg (NM_001033859.3); c.1070T>G, p.Met357Arg (NM_001270447.2); c.773T>G, p.Met258Arg (NM_001270448.2); short protein forms M334R, M312R, M258R, M357R.
Identifiers: ClinVar variation 92270 (VCV000092270.41), dbSNP rs398123079, ClinGen allele CA285287.